The following is an entry in ClinVar:

ClinVar aggregate classification (germline): Uncertain significance (1 of 4 stars; one submission).

Conditions:
Hereditary cancer-predisposing syndrome. Also called: Tumor predisposition; Neoplastic Syndromes, Hereditary; Hereditary neoplastic syndrome; Hereditary Cancer Syndrome. Identifiers: Orphanet 140162, MedGen C0027672, MeSH D009386, MONDO:0015356.

Submission:

Ambry Genetics
Classification: Uncertain significance for Hereditary cancer-predisposing syndrome. Last evaluated: 2025-08-27. Review status: criteria provided, single submitter. Criteria: Ambry Variant Classification Scheme 2023. Collection method: clinical testing. Allele origin: germline.
Comment: The p.T408A variant (also known as c.1222A>G), located in coding exon 13 of the MUTYH gene, results from an A to G substitution at nucleotide position 1222. The threonine at codon 408 is replaced by alanine, an amino acid with similar properties. This amino acid position is conserved. In addition, this alteration is predicted to be tolerated by in silico analysis. Based on the available evidence, the clinical significance of this variant remains unclear.

NM_001048174.2(MUTYH):c.1138A>G (p.Thr380Ala)

Gene: MUTYH (mutY DNA glycosylase; minus strand). Cytogenetic location: 1p34.1.
Variant type: single nucleotide variant.
Coding change: c.1138A>G on transcript NM_001048174.2 (MANE Select); coding-DNA position 1138, A replaced by G.
Protein change: p.Thr380Ala; replaces threonine 380 with alanine.
Molecular consequence: missense variant. On other transcripts: non-coding transcript variant (7).
Genome position (GRCh38, 1-based): chr1:45,331,521, T>C on the plus strand (A>G on the coding strand, the complement: MUTYH is on the minus strand). VCF-style: chr1-45331521-T-C. GRCh37 (hg19) VCF-style: chr1-45797193-T-C.
Other names: c.862A>G, p.Thr288Ala (NM_001293196.2, NM_001407091.1, NM_001293192.2); c.793A>G, p.Thr265Ala (NM_001350650.2, NM_001350651.2, NM_001407082.1); c.1171A>G, p.Thr391Ala (NM_001407069.1, NM_001293191.2, NM_001407077.1); c.1138A>G, p.Thr380Ala (NM_001407070.1, NM_001407072.1, NM_001407073.1 and 6 more transcripts); c.1141A>G, p.Thr381Ala (NM_001407071.1, NM_001048172.2, NM_001407078.1 and 1 more transcripts); c.1054A>G, p.Thr352Ala (NM_001407075.1); c.1213A>G, p.Thr405Ala (NM_012222.3); c.1222A>G, p.Thr408Ala (NM_001128425.2); and 5 more; short protein forms T352A, T391A, T394A, T366A, T367A, T265A, T288A, T380A.
Identifiers: ClinVar variation 4112874 (VCV004112874.1).